The following is an entry in ClinVar:

NM_177550.5(SLC13A5):c.1157-179A>T

Gene: SLC13A5 (solute carrier family 13 member 5; minus strand). Cytogenetic location: 17p13.1.
Variant type: single nucleotide variant.
Coding change: c.1157-179A>T on transcript NM_177550.5 (MANE Select); 179 bases into the intron before coding-DNA position 1157, A replaced by T.
Molecular consequence: intron variant.
Genome position (GRCh38, 1-based): chr17:6,693,341, T>A on the plus strand (A>T on the coding strand, the complement: SLC13A5 is on the minus strand). VCF-style: chr17-6693341-T-A. GRCh37 (hg19) VCF-style: chr17-6596660-T-A.
Other names: c.1028-179A>T (NM_001284510.2); c.1106-179A>T (NM_001284509.2); c.1157-179A>T (NM_001143838.3).
Identifiers: ClinVar variation 677610 (VCV000677610.1), dbSNP rs191618414, ClinGen allele CA287385654.

ClinVar aggregate classification (germline): Likely benign (1 of 4 stars; one submission).

Allele frequency attached by ClinVar (database versions not stated): 1000 Genomes Project 0.00200; gnomAD 0.00624; TOPMed 0.00451; 1000 Genomes Project 30x 0.00172.

Submission:

GeneDx
Classification: Likely benign. Last evaluated: 2018-06-19. Review status: criteria provided, single submitter. Criteria: GeneDx Variant Classification (06012015). Collection method: clinical testing. Allele origin: germline. Affected: yes.
Comment: This variant is considered likely benign or benign based on one or more of the following criteria: it is a conservative change, it occurs at a poorly conserved position in the protein, it is predicted to be benign by multiple in silico algorithms, and/or has population frequency not consistent with disease.